The following is an entry in ClinVar:

NM_000135.4(FANCA):c.221_222del (p.Leu74fs)

Gene: FANCA (FA complementation group A; minus strand). Cytogenetic location: 16q24.3.
Variant type: Microsatellite.
Coding change: c.221_222del on transcript NM_000135.4 (MANE Select); coding-DNA positions 221 to 222, 2 bases deleted (TC; older notation c.221_222delTC).
Protein change: p.Leu74fs; shifts the reading frame from leucine 74.
Molecular consequence: frameshift variant.
Genome position (GRCh38, 1-based): chr16:89,814,581-89,814,582, GA deleted on the plus strand (TC on the coding strand, the reverse complement: FANCA is on the minus strand); deleting any 2 consecutive bases within chr16:89,814,581-89,814,586 gives the same sequence; the c. name uses the placement nearest the transcript's 3' end. VCF-style (leftmost placement, unchanged base first): chr16-89814580-TGA-T. GRCh37 (hg19) VCF-style: chr16-89880988-TGA-T.
Other names: c.221_222delTC (NM_000135.2); c.221_222del, p.Leu74fs (NM_001286167.3, NM_001351830.2, NM_001018112.3); short protein forms L74fs.
Identifiers: ClinVar variation 841482 (VCV000841482.10), dbSNP rs2041026878, ClinGen allele CA916081865.
Genomic context (GRCh38, chr16:89,814,580, plus strand): 5'-CTATAAATGAACTAGAATGATTAGCATAGGCCTCAGAACTGTCACAGTCAATCACTTTGC[TGA>T]GAGACAATTTTTTACACAGTGGACCTTCTACCTAGAATCCAAAACACAACAAACTCCATT-3'

ClinVar aggregate classification (germline): Pathogenic. Review status: criteria provided, multiple submitters, no conflicts (2 of 4 stars). 4 submissions from 3 submitters: Pathogenic (4). Last evaluated 2026-06-15.

Conditions:
Fetal anomalies with a likely genetic cause.
Pigmentary skin disorders.
Fanconi anemia (FA). Also called: Fanconi's anemia. Identifiers: Orphanet 84, MedGen C0015625, MeSH D005199, MONDO:0019391.
Fanconi anemia complementation group A (FANCA). Also called: FANCA-Related Fanconi Anemia; Fanconi anemia, group A. Identifiers: Orphanet 84, MedGen C3469521, MONDO:0009215, OMIM 227650.

Submissions (4):

Genetics Laboratory, Great Ormond Street Hospital NHS Foundation Trust, North Thames Genomic Laboratory Hub
Classification: Pathogenic for Pigmentary skin disorders. Last evaluated: 2026-06-15. Review status: criteria provided, single submitter. Criteria: ACGS Best Practice Guidelines for Variant Classification in Rare Disease 2024 v1.2. Collection method: clinical testing. Allele origin: germline. Affected: yes.
Comment: PM2_moderate, PVS1_very-strong

Genetics Laboratory, Great Ormond Street Hospital NHS Foundation Trust, North Thames Genomic Laboratory Hub
Classification: Pathogenic for Fetal anomalies with a likely genetic cause. Last evaluated: 2026-06-15. Review status: criteria provided, single submitter. Criteria: ACGS Best Practice Guidelines for Variant Classification in Rare Disease 2024 v1.2. Collection method: clinical testing. Allele origin: germline. Affected: yes.
Comment: the same text as in the submission from Genetics Laboratory, Great Ormond Street Hospital NHS Foundation Trust, North Thames Genomic Laboratory Hub above.

Labcorp Genetics (formerly Invitae), Labcorp
Classification: Pathogenic for Fanconi anemia. Last evaluated: 2024-12-12. Review status: criteria provided, single submitter. Criteria: Invitae Variant Classification Sherloc (09022015). Collection method: clinical testing. Allele origin: germline.
Comment: This sequence change creates a premature translational stop signal (p.Leu74Glnfs*5) in the FANCA gene. It is expected to result in an absent or disrupted protein product. Loss-of-function variants in FANCA are known to be pathogenic (PMID: 19367192). This variant is not present in population databases (gnomAD no frequency). This variant has not been reported in the literature in individuals affected with FANCA-related conditions. ClinVar contains an entry for this variant (Variation ID: 841482). For these reasons, this variant has been classified as Pathogenic.

Victorian Clinical Genetics Services, Murdoch Childrens Research Institute
Classification: Pathogenic for Fanconi anemia complementation group A. Last evaluated: 2024-09-20. Review status: criteria provided, single submitter. Criteria: ACMG Guidelines, 2015. Collection method: clinical testing. Allele origin: germline. Inheritance: Autosomal recessive inheritance. Affected: yes.
Comment: Based on the classification scheme VCGS_Germline_v1.3.4, this variant is classified as Pathogenic. Following criteria are met: 0102 - Loss of function is a known mechanism of disease in this gene and is associated with Fanconi anaemia, complementation group A (MIM#227650). (I) 0106 - This gene is associated with autosomal recessive disease. (I) 0201 - Variant is predicted to cause nonsense-mediated decay (NMD) and loss of protein (premature termination codon is located at least 54 nucleotides upstream of the final exon-exon junction). (SP) 0251 - This variant is heterozygous. (I) 0301 - Variant is absent from gnomAD (both v2 and v3). (SP) 0701 - Other null variants comparable to the one identified in this case have very strong previous evidence for pathogenicity. There are at least ten NMD-predicted variants that have been classified as likely pathogenic or pathogenic (DECIPHER). (SP) 0803 - This variant has limited previous evidence of pathogenicity in an unrelated individual. This variant has been classified once as pathogenic by one clinical diagnostic laboratory (ClinVar). (SP) 0905 - No published segregation evidence has been identified for this variant. (I) 1007 - No published functional evidence has been identified for this variant. (I) 1208 - Inheritance information for this variant is not currently available in this individual. (I) Legend: (SP) - Supporting pathogenic, (I) - Information, (SB) - Supporting benign

Literature cited by the submitters: PubMed 19367192 (cited by Labcorp Genetics (formerly Invitae), Labcorp).